The following is an entry in ClinVar:

ClinVar aggregate classification (germline): Uncertain significance (1 of 4 stars; one submission).

Submission:

Labcorp Genetics (formerly Invitae), Labcorp
Classification: Uncertain significance. Last evaluated: 2022-10-04. Review status: criteria provided, single submitter. Criteria: Invitae Variant Classification Sherloc (09022015). Collection method: clinical testing. Allele origin: germline.
Comment: In summary, the available evidence is currently insufficient to determine the role of this variant in disease. Therefore, it has been classified as a Variant of Uncertain Significance. Algorithms developed to predict the effect of missense changes on protein structure and function are either unavailable or do not agree on the potential impact of this missense change (SIFT: "Deleterious"; PolyPhen-2: "Probably Damaging"; Align-GVGD: "Class C0"). ClinVar contains an entry for this variant (Variation ID: 952270). This variant has not been reported in the literature in individuals affected with MSH3-related conditions. This variant is not present in population databases (gnomAD no frequency). This sequence change replaces serine, which is neutral and polar, with proline, which is neutral and non-polar, at codon 904 of the MSH3 protein (p.Ser904Pro).

NM_002439.5(MSH3):c.2710T>C (p.Ser904Pro)

Gene: MSH3 (mutS homolog 3; plus strand). Cytogenetic location: 5q14.1.
Variant type: single nucleotide variant.
Coding change: c.2710T>C on transcript NM_002439.5 (MANE Select); coding-DNA position 2710, T replaced by C.
Protein change: p.Ser904Pro; replaces serine 904 with proline.
Molecular consequence: missense variant.
Genome position (GRCh38, 1-based): chr5:80,813,638, T>C. VCF-style: chr5-80813638-T-C. GRCh37 (hg19) VCF-style: chr5-80109457-T-C.
Other names: short protein forms S904P.
Identifiers: ClinVar variation 952270 (VCV000952270.9), dbSNP rs1745047389, ClinGen allele CA360273919.